The following is an entry in ClinVar:

ClinVar aggregate classification (germline): Uncertain significance (1 of 4 stars; one submission).

Allele frequency attached by ClinVar (database versions not stated): gnomAD exomes below 0.00001; TOPMed below 0.00001; gnomAD 0.00001.
gnomAD v4.1: 5 of 1,343,090 alleles (0.00037%); highest among the groups gnomAD compares: Admixed American, 0.0053%; no homozygotes.

Submission:

Labcorp Genetics (formerly Invitae), Labcorp
Classification: Uncertain significance. Last evaluated: 2024-04-03. Review status: criteria provided, single submitter. Criteria: Invitae Variant Classification Sherloc (09022015). Collection method: clinical testing. Allele origin: germline.
Comment: This sequence change replaces isoleucine, which is neutral and non-polar, with valine, which is neutral and non-polar, at codon 151 of the TBCK protein (p.Ile151Val). This variant is not present in population databases (gnomAD no frequency). This variant has not been reported in the literature in individuals affected with TBCK-related conditions. ClinVar contains an entry for this variant (Variation ID: 2179591). Advanced modeling of protein sequence and biophysical properties (such as structural, functional, and spatial information, amino acid conservation, physicochemical variation, residue mobility, and thermodynamic stability) performed at Invitae indicates that this missense variant is not expected to disrupt TBCK protein function with a negative predictive value of 80%. In summary, the available evidence is currently insufficient to determine the role of this variant in disease. Therefore, it has been classified as a Variant of Uncertain Significance.

NM_001163435.3(TBCK):c.451A>G (p.Ile151Val)

Gene: TBCK (TBC1 domain containing kinase; minus strand). Cytogenetic location: 4q24.
Variant type: single nucleotide variant.
Coding change: c.451A>G on transcript NM_001163435.3 (MANE Select); coding-DNA position 451, A replaced by G.
Protein change: p.Ile151Val; replaces isoleucine 151 with valine.
Molecular consequence: missense variant. On other transcripts: 5 prime UTR variant (1), intron variant (1).
Genome position (GRCh38, 1-based): chr4:106,260,441, T>C on the plus strand (A>G on the coding strand, the complement: TBCK is on the minus strand). VCF-style: chr4-106260441-T-C. GRCh37 (hg19) VCF-style: chr4-107181598-T-C.
Other names: c.451A>G, p.Ile151Val (NM_001163436.4, NM_001163437.3); c.-167A>G (NM_001290768.2); c.267-8434A>G (NM_033115.5); short protein forms I151V.
Identifiers: ClinVar variation 2179591 (VCV002179591.3), dbSNP rs1374629687, ClinGen allele CA357969945.